The following is an entry in ClinVar:

NM_000179.3(MSH6):c.886G>A (p.Val296Ile)

Gene: MSH6 (mutS homolog 6; plus strand). Cytogenetic location: 2p16.3.
Variant type: single nucleotide variant.
Coding change: c.886G>A on transcript NM_000179.3 (MANE Select); coding-DNA position 886, G replaced by A.
Protein change: p.Val296Ile; replaces valine 296 with isoleucine.
Molecular consequence: missense variant. On other transcripts: 5 prime UTR variant (9), non-coding transcript variant (4), intron variant (1).
Genome position (GRCh38, 1-based): chr2:47,798,869, G>A. VCF-style: chr2-47798869-G-A. GRCh37 (hg19) VCF-style: chr2-48026008-G-A.
Other names: c.496G>A, p.Val166Ile (NM_001281492.2); c.-21G>A (NM_001281493.2, NM_001281494.2, NM_001406811.1 and 6 more transcripts); c.982G>A, p.Val328Ile (NM_001406795.1, NM_001406802.1); c.886G>A, p.Val296Ile (NM_001406796.1, NM_001406798.1, NM_001406800.1 and 4 more transcripts); c.589G>A, p.Val197Ile (NM_001406797.1, NM_001406801.1, NM_001406805.1 and 10 more transcripts); c.361G>A, p.Val121Ile (NM_001406799.1, NM_001406806.1, NM_001406807.1); c.808G>A, p.Val270Ile (NM_001406804.1); c.892G>A, p.Val298Ile (NM_001406813.1); and 2 more; short protein forms V270I, V298I, V121I, V166I, V240I, V197I, V296I, V328I.
Identifiers: ClinVar variation 4658176 (VCV004658176.1).

ClinVar aggregate classification (germline): Uncertain significance (1 of 4 stars; one submission).

Conditions:
Hereditary cancer-predisposing syndrome. Also called: Neoplastic Syndromes, Hereditary; Tumor predisposition; Hereditary Cancer Syndrome; Hereditary neoplastic syndrome. Identifiers: Orphanet 140162, MedGen C0027672, MeSH D009386, MONDO:0015356.

Submission:

Ambry Genetics
Classification: Uncertain significance for Hereditary cancer-predisposing syndrome. Last evaluated: 2025-11-17. Review status: criteria provided, single submitter. Criteria: Ambry Variant Classification Scheme 2023. Collection method: clinical testing. Allele origin: germline.
Comment: The p.V296I variant (also known as c.886G>A), located in coding exon 4 of the MSH6 gene, results from a G to A substitution at nucleotide position 886. The valine at codon 296 is replaced by isoleucine, an amino acid with highly similar properties. This amino acid position is conserved. In addition, this alteration is predicted to be tolerated by in silico analysis. Based on the available evidence, the clinical significance of this variant remains unclear.